The following is an entry in ClinVar:

NM_000465.4(BARD1):c.1113A>T (p.Lys371Asn)

Gene: BARD1 (BRCA1 associated RING domain 1; minus strand). Cytogenetic location: 2q35.
Variant type: single nucleotide variant.
Coding change: c.1113A>T on transcript NM_000465.4 (MANE Select); coding-DNA position 1113, A replaced by T.
Protein change: p.Lys371Asn; replaces lysine 371 with asparagine.
Molecular consequence: missense variant. On other transcripts: non-coding transcript variant (2), intron variant (3).
Genome position (GRCh38, 1-based): chr2:214,780,761, T>A on the plus strand (A>T on the coding strand, the complement: BARD1 is on the minus strand). VCF-style: chr2-214780761-T-A. GRCh37 (hg19) VCF-style: chr2-215645485-T-A.
Other names: c.1056A>T, p.Lys352Asn (NM_001282543.2); c.159-28206A>T (NM_001282548.2); c.215+16300A>T (NM_001282545.2); c.364+11536A>T (NM_001282549.2); short protein forms K352N, K371N.
Identifiers: ClinVar variation 1377333 (VCV001377333.7), dbSNP rs2106108630, ClinGen allele CA350454031.

ClinVar aggregate classification (germline): Uncertain significance (1 of 4 stars; one submission).

Conditions:
Familial cancer of breast. Also called: Hereditary breast cancer; BREAST CANCER, FAMILIAL; hereditary breast carcinoma. Identifiers: Orphanet 227535, MedGen C0346153, MONDO:0016419, OMIM 114480. Disease mechanism: loss of function.

Submission:

Labcorp Genetics (formerly Invitae), Labcorp
Classification: Uncertain significance for Familial cancer of breast. Last evaluated: 2021-08-24. Review status: criteria provided, single submitter. Criteria: Invitae Variant Classification Sherloc (09022015). Collection method: clinical testing. Allele origin: germline.
Comment: This variant is not present in population databases (ExAC no frequency). This variant has not been reported in the literature in individuals affected with BARD1-related conditions. Algorithms developed to predict the effect of missense changes on protein structure and function (SIFT, PolyPhen-2, Align-GVGD) all suggest that this variant is likely to be tolerated. In summary, the available evidence is currently insufficient to determine the role of this variant in disease. Therefore, it has been classified as a Variant of Uncertain Significance. This sequence change replaces lysine with asparagine at codon 371 of the BARD1 protein (p.Lys371Asn). The lysine residue is moderately conserved and there is a moderate physicochemical difference between lysine and asparagine.